The following is an entry in ClinVar:

NM_001197104.2(KMT2A):c.8429G>A (p.Ser2810Asn)

Gene: KMT2A (lysine methyltransferase 2A; plus strand). Cytogenetic location: 11q23.3.
Variant type: single nucleotide variant.
Coding change: c.8429G>A on transcript NM_001197104.2 (MANE Select); coding-DNA position 8429, G replaced by A.
Protein change: p.Ser2810Asn; replaces serine 2810 with asparagine.
Molecular consequence: missense variant.
Genome position (GRCh38, 1-based): chr11:118,504,321, G>A. VCF-style: chr11-118504321-G-A. GRCh37 (hg19) VCF-style: chr11-118375036-G-A.
Other names: c.8519G>A, p.Ser2840Asn (NM_001412597.1); c.8420G>A, p.Ser2807Asn (NM_005933.4); short protein forms S2807N, S2810N, S2840N.
Identifiers: ClinVar variation 3367990 (VCV003367990.1).

ClinVar aggregate classification (germline): Uncertain significance (1 of 4 stars; one submission).

gnomAD v4.1: 1 of 1,614,170 alleles (0.000062%); highest among the groups gnomAD compares: Non-Finnish European, 0.000085%; no homozygotes.

Submission:

GeneDx
Classification: Uncertain significance. Last evaluated: 2024-01-18. Review status: criteria provided, single submitter. Criteria: GeneDx Variant Classification Process June 2021. Collection method: clinical testing. Allele origin: germline. Affected: yes.
Comment: Not observed at significant frequency in large population cohorts (gnomAD); In silico analysis supports that this missense variant does not alter protein structure/function; Has not been previously published as pathogenic or benign to our knowledge